The following is an entry in ClinVar:

ClinVar aggregate classification (germline): Uncertain significance (1 of 4 stars; one submission).

Conditions:
Atrial standstill 1 (ATRST1). Also called: ATRIAL CARDIOMYOPATHY WITH HEART BLOCK; CARDIOMYOPATHY, FAMILIAL, WITH CONDUCTION DISTURBANCE; Atrial standstill, digenic (GJA5/SCN5A). Identifiers: Orphanet 1344, MedGen C4551959, MONDO:0007171, OMIM 108770.
Atrial fibrillation, familial, 11 (ATFB11). Identifiers: MedGen C3279693, MONDO:0013544, OMIM 614049.

Allele frequency attached by ClinVar (database versions not stated): gnomAD exomes below 0.00001.
gnomAD v4.1: 6 of 1,614,240 alleles (0.00037%); highest among the groups gnomAD compares: Non-Finnish European, 0.00051%; no homozygotes.

Submission:

Labcorp Genetics (formerly Invitae), Labcorp
Classification: Uncertain significance for Atrial fibrillation, familial, 11; Atrial standstill 1. Last evaluated: 2023-10-27. Review status: criteria provided, single submitter. Criteria: Invitae Variant Classification Sherloc (09022015). Collection method: clinical testing. Allele origin: germline.
Comment: This sequence change replaces isoleucine, which is neutral and non-polar, with threonine, which is neutral and polar, at codon 83 of the GJA5 protein (p.Ile83Thr). This variant is present in population databases (no rsID available, gnomAD 0.0009%). This variant has not been reported in the literature in individuals affected with GJA5-related conditions. Advanced modeling of protein sequence and biophysical properties (such as structural, functional, and spatial information, amino acid conservation, physicochemical variation, residue mobility, and thermodynamic stability) performed at Invitae indicates that this missense variant is not expected to disrupt GJA5 protein function with a negative predictive value of 80%. In summary, the available evidence is currently insufficient to determine the role of this variant in disease. Therefore, it has been classified as a Variant of Uncertain Significance.

NM_181703.4(GJA5):c.248T>C (p.Ile83Thr)

Gene: GJA5 (gap junction protein alpha 5; minus strand). Cytogenetic location: 1q21.2.
Variant type: single nucleotide variant.
Coding change: c.248T>C on transcript NM_181703.4 (MANE Select); coding-DNA position 248, T replaced by C.
Protein change: p.Ile83Thr; replaces isoleucine 83 with threonine.
Molecular consequence: missense variant.
Genome position (GRCh38, 1-based): chr1:147,758,991, A>G on the plus strand (T>C on the coding strand, the complement: GJA5 is on the minus strand). VCF-style: chr1-147758991-A-G. GRCh37 (hg19) VCF-style: chr1-147231099-A-G.
Other names: c.248T>C, p.Ile83Thr (NM_005266.7); short protein forms I83T.
Identifiers: ClinVar variation 2923878 (VCV002923878.3), dbSNP rs1553227059, ClinGen allele CA342397482.